The following is an entry in ClinVar:

ClinVar aggregate classification (germline): Likely benign (1 of 4 stars; one submission).

Submission:

CeGaT Center for Human Genetics Tuebingen
Classification: Likely benign. Last evaluated: 2024-04-01. Review status: criteria provided, single submitter. Criteria: CeGaT Center For Human Genetics Tuebingen Variant Classification Criteria Version 2. Collection method: clinical testing. Allele origin: germline. Affected: yes. Observed: 2 variant alleles.
Comment: CSNK2A1: BP4, BS2

NM_177559.3(CSNK2A1):c.*5192_*5195dup

Gene: CSNK2A1 (casein kinase 2 alpha 1; minus strand). Cytogenetic location: 20p13.
Variant type: Duplication.
Coding change: c.*5192_*5195dup on transcript NM_177559.3 (MANE Select); 5192 bases downstream of the stop codon through 5195 bases downstream of the stop codon, 4 bases duplicated (TTTT; older notation c.*5192_*5195dupTTTT).
Molecular consequence: 3 prime UTR variant. On other transcripts: intron variant (2).
Genome position (GRCh38, 1-based): chr20:478,766-478,769, AAAA duplicated on the plus strand (TTTT on the coding strand, the reverse complement: CSNK2A1 is on the minus strand); duplicating any 4 consecutive bases within chr20:478,766-478,784 gives the same sequence; the c. name uses the placement nearest the transcript's 3' end. VCF-style (leftmost placement, unchanged base first): chr20-478765-C-CAAAA. GRCh37 (hg19) VCF-style: chr20-459409-C-CAAAA.
Other names: c.*5192_*5195dup (NM_001895.4, NM_177560.3); c.*34-4819_*34-4816dup (NM_001362771.2, NM_001362770.2).
Identifiers: ClinVar variation 2652128 (VCV002652128.24), dbSNP rs750062577, ClinGen allele CA744951538.